The following is an entry in ClinVar:

ClinVar aggregate classification (germline): Uncertain significance (1 of 4 stars; one submission).

Submission:

Labcorp Genetics (formerly Invitae), Labcorp
Classification: Uncertain significance. Last evaluated: 2022-05-25. Review status: criteria provided, single submitter. Criteria: Invitae Variant Classification Sherloc (09022015). Collection method: clinical testing. Allele origin: germline.
Comment: In summary, the available evidence is currently insufficient to determine the role of this variant in disease. Therefore, it has been classified as a Variant of Uncertain Significance. Algorithms developed to predict the effect of missense changes on protein structure and function (SIFT, PolyPhen-2, Align-GVGD) all suggest that this variant is likely to be disruptive. This variant has not been reported in the literature in individuals affected with RFWD3-related conditions. This variant is not present in population databases (gnomAD no frequency). This sequence change replaces glycine, which is neutral and non-polar, with arginine, which is basic and polar, at codon 606 of the RFWD3 protein (p.Gly606Arg).

NM_018124.4(RFWD3):c.1816G>A (p.Gly606Arg)

Gene: RFWD3 (ring finger and WD repeat domain 3; minus strand). Cytogenetic location: 16q23.1.
Variant type: single nucleotide variant.
Coding change: c.1816G>A on transcript NM_018124.4 (MANE Select); coding-DNA position 1816, G replaced by A.
Protein change: p.Gly606Arg; replaces glycine 606 with arginine.
Molecular consequence: missense variant.
Genome position (GRCh38, 1-based): chr16:74,628,605, C>T on the plus strand (G>A on the coding strand, the complement: RFWD3 is on the minus strand). VCF-style: chr16-74628605-C-T. GRCh37 (hg19) VCF-style: chr16-74662503-C-T.
Other names: c.1816G>A, p.Gly606Arg (NM_001370534.1, NM_001370535.1); c.1639G>A, p.Gly547Arg (NM_001370536.1); c.982G>A, p.Gly328Arg (NM_001370537.1, NM_001370539.1, NM_001370540.1 and 3 more transcripts); short protein forms G328R, G606R, G547R.
Identifiers: ClinVar variation 1998868 (VCV001998868.4), dbSNP rs2543935334, ClinGen allele CA396759972.
Genomic context (GRCh38, chr16:74,628,605, plus strand): 5'-GAGAAAAGTCCATTTTCTGTTCCCAGAATGAAGCATCCTCCAAGGTTCCAGCCAGCACCC[C>T]ACCATATGGAAATGCAGCTGAGGCAGCTCTGGGCATGTATGACAGGGAGACCAGTGGGCA-3'
Protein context (NP_060594.3, residues 596-616): RAASAAFPYG[Gly606Arg]VLAGTLEDAS